The following is an entry in ClinVar:

NM_021620.4(PRDM13):c.2076C>G (p.Asp692Glu)

Gene: PRDM13 (PR/SET domain 13; plus strand). Cytogenetic location: 6q16.2.
Variant type: single nucleotide variant.
Coding change: c.2076C>G on transcript NM_021620.4 (MANE Select); coding-DNA position 2076, C replaced by G.
Protein change: p.Asp692Glu; replaces aspartic acid 692 with glutamic acid.
Molecular consequence: missense variant.
Genome position (GRCh38, 1-based): chr6:99,614,711, C>G. VCF-style: chr6-99614711-C-G. GRCh37 (hg19) VCF-style: chr6-100062587-C-G.
Other names: short protein forms D692E.
Identifiers: ClinVar variation 2811006 (VCV002811006.3), dbSNP rs2538548270, ClinGen allele CA365122782.

ClinVar aggregate classification (germline): Uncertain significance (1 of 4 stars; one submission).

Submission:

Labcorp Genetics (formerly Invitae), Labcorp
Classification: Uncertain significance. Last evaluated: 2022-10-31. Review status: criteria provided, single submitter. Criteria: Invitae Variant Classification Sherloc (09022015). Collection method: clinical testing. Allele origin: germline.
Comment: In summary, the available evidence is currently insufficient to determine the role of this variant in disease. Therefore, it has been classified as a Variant of Uncertain Significance. This sequence change replaces aspartic acid, which is acidic and polar, with glutamic acid, which is acidic and polar, at codon 692 of the PRDM13 protein (p.Asp692Glu). This variant is not present in population databases (gnomAD no frequency). This variant has not been reported in the literature in individuals affected with PRDM13-related conditions. Algorithms developed to predict the effect of missense changes on protein structure and function (SIFT, PolyPhen-2, Align-GVGD) all suggest that this variant is likely to be disruptive.